The following is an entry in ClinVar:

NM_000093.5(COL5A1):c.4000C>T (p.Pro1334Ser)

Gene: COL5A1 (collagen type V alpha 1 chain; plus strand). Cytogenetic location: 9q34.3.
Variant type: single nucleotide variant.
Coding change: c.4000C>T on transcript NM_000093.5 (MANE Select); coding-DNA position 4000, C replaced by T.
Protein change: p.Pro1334Ser; replaces proline 1334 with serine.
Molecular consequence: missense variant.
Genome position (GRCh38, 1-based): chr9:134,814,890, C>T. VCF-style: chr9-134814890-C-T. GRCh37 (hg19) VCF-style: chr9-137706736-C-T.
Other names: c.4000C>T, p.Pro1334Ser (NM_001278074.1); short protein forms P1334S.
Identifiers: ClinVar variation 1431281 (VCV001431281.8), dbSNP rs759198874, ClinGen allele CA375456163.
Genomic context (GRCh38, chr9:134,814,890, plus strand): 5'-TCAGGCCCTTCAGGTGCTGCCGGACCCCCTGGACCCAAAGGCCCTCCCGGAGATGATGGT[C>T]CCAAAGGCAGCCCTGTGAGTATTCCAGACACACCTCAGGGGCCCTGCAGCAGGGGCGGGG-3'
Protein context (NP_000084.3, residues 1324-1344): GPKGPPGDDG[Pro1334Ser]KGSPGPVGFP

ClinVar aggregate classification (germline): Uncertain significance (1 of 4 stars; one submission).

Conditions:
Ehlers-Danlos syndrome, classic type, 1 (EDSCL1). Also called: EHLERS-DANLOS SYNDROME, GRAVIS TYPE; EHLERS-DANLOS SYNDROME, SEVERE CLASSIC TYPE; Ehlers-Danlos syndrome, type 1; Ehlers-Danlos Syndrome, Classic Type, COL5A1-Related; EDS I. Identifiers: MedGen C0268335, MONDO:0019567, OMIM 130000.

Submission:

Labcorp Genetics (formerly Invitae), Labcorp
Classification: Uncertain significance for Ehlers-Danlos syndrome, classic type, 1. Last evaluated: 2021-06-23. Review status: criteria provided, single submitter. Criteria: Invitae Variant Classification Sherloc (09022015). Collection method: clinical testing. Allele origin: germline.
Comment: This variant is not present in population databases (ExAC no frequency). In summary, the available evidence is currently insufficient to determine the role of this variant in disease. Therefore, it has been classified as a Variant of Uncertain Significance. Advanced modeling of protein sequence and biophysical properties (such as structural, functional, and spatial information, amino acid conservation, physicochemical variation, residue mobility, and thermodynamic stability) performed at Invitae indicates that this missense variant is not expected to disrupt COL5A1 protein function. This variant has not been reported in the literature in individuals with COL5A1-related conditions. This sequence change replaces proline with serine at codon 1334 of the COL5A1 protein (p.Pro1334Ser). The proline residue is highly conserved and there is a moderate physicochemical difference between proline and serine.